The following is an entry in ClinVar:

NM_000834.5(GRIN2B):c.3646C>T (p.Arg1216Cys)

Gene: GRIN2B (glutamate ionotropic receptor NMDA type subunit 2B; minus strand). Cytogenetic location: 12p13.1.
Variant type: single nucleotide variant.
Coding change: c.3646C>T on transcript NM_000834.5 (MANE Select); coding-DNA position 3646, C replaced by T.
Protein change: p.Arg1216Cys; replaces arginine 1216 with cysteine.
Molecular consequence: missense variant.
Genome position (GRCh38, 1-based): chr12:13,563,592, G>A on the plus strand (C>T on the coding strand, the complement: GRIN2B is on the minus strand). VCF-style: chr12-13563592-G-A. GRCh37 (hg19) VCF-style: chr12-13716526-G-A.
Other names: c.3646C>T (NM_000834.4); short protein forms R1216C.
Identifiers: ClinVar variation 1008577 (VCV001008577.13), dbSNP rs199834850, ClinGen allele CA233133487.

ClinVar aggregate classification (germline): Conflicting classifications of pathogenicity. Review status: criteria provided, conflicting classifications (1 of 4 stars). 4 submissions from 4 submitters: Uncertain significance (3); Likely benign (1). Last evaluated 2026-05-11.

Conditions:
Developmental and epileptic encephalopathy, 27 (DEE27). Also called: GRIN2B-Related Neurodevelopmental Disorder; Epileptic encephalopathy, early infantile, 27. Identifiers: Orphanet 3451, MedGen C4015316, MONDO:0014505, OMIM 616139.
Intellectual developmental disorder, autosomal dominant 6, with or without seizures. Also called: Intellectual disability, autosomal dominant 6; GRIN2B-related developmental delay, intellectual disability and autism spectrum disorder. Identifiers: Orphanet 589547, MedGen C3151411, MONDO:0013509, OMIM 613970.
Inborn genetic diseases. Identifiers: MedGen C0950123, MeSH D030342.

Allele frequency attached by ClinVar (database versions not stated): gnomAD exomes below 0.00001; TOPMed below 0.00001.
gnomAD v4.1: 11 of 1,614,044 alleles (0.00068%); highest among the groups gnomAD compares: Non-Finnish European, 0.00085%; no homozygotes.

Submissions (4):

Ambry Genetics
Classification: Uncertain significance for Inborn genetic diseases. Last evaluated: 2026-05-11. Review status: criteria provided, single submitter. Criteria: Ambry Variant Classification Scheme 2023. Collection method: clinical testing. Allele origin: germline.
Comment: The c.3646C>T (p.R1216C) alteration is located in exon 13 (coding exon 12) of the GRIN2B gene. This alteration results from a C to T substitution at nucleotide position 3646, causing the arginine (R) at amino acid position 1216 to be replaced by a cysteine (C). Based on data from gnomAD, the T allele has an overall frequency of <0.001% (1/250802) total alleles studied. The highest observed frequency was 0.001% (1/113252) of European (non-Finnish) alleles. Based on insufficient or conflicting evidence, the clinical significance of this alteration remains unclear.

Baylor Genetics
Classification: Uncertain significance for Developmental and epileptic encephalopathy, 27. Last evaluated: 2024-02-22. Review status: criteria provided, single submitter. Criteria: ACMG Guidelines, 2015. Collection method: clinical testing. Allele origin: unknown.

Labcorp Genetics (formerly Invitae), Labcorp
Classification: Likely benign for Developmental and epileptic encephalopathy, 27; Intellectual developmental disorder, autosomal dominant 6, with or without seizures. Last evaluated: 2024-01-16. Review status: criteria provided, single submitter. Criteria: Invitae Variant Classification Sherloc (09022015). Collection method: clinical testing. Allele origin: germline.

GeneDx
Classification: Uncertain significance. Last evaluated: 2022-12-20. Review status: criteria provided, single submitter. Criteria: GeneDx Variant Classification Process June 2021. Collection method: clinical testing. Allele origin: germline. Affected: yes.
Comment: In silico analysis supports that this missense variant has a deleterious effect on protein structure/function; Has not been previously published as pathogenic or benign to our knowledge